The following is an entry in ClinVar:

ClinVar aggregate classification (germline): Uncertain significance. Review status: criteria provided, multiple submitters, no conflicts (2 of 4 stars). 4 submissions from 4 submitters: Uncertain significance (4). Last evaluated 2024-09-26.

Conditions:
Inborn genetic diseases. Identifiers: MedGen C0950123, MeSH D030342.

Allele frequency attached by ClinVar (database versions not stated): gnomAD exomes 0.00002 and 0.00006; ExAC 0.00007; gnomAD 0.00010; TOPMed 0.00011.

Submissions (4):

Ambry Genetics
Classification: Uncertain significance for Inborn genetic diseases. Last evaluated: 2024-09-26. Review status: criteria provided, single submitter. Criteria: Ambry Variant Classification Scheme 2023. Collection method: clinical testing. Allele origin: germline.

Labcorp Genetics (formerly Invitae), Labcorp
Classification: Uncertain significance. Last evaluated: 2023-01-18. Review status: criteria provided, single submitter. Criteria: Invitae Variant Classification Sherloc (09022015). Collection method: clinical testing. Allele origin: germline.
Comment: This sequence change replaces arginine, which is basic and polar, with glutamine, which is neutral and polar, at codon 2941 of the VPS13D protein (p.Arg2941Gln). This variant is present in population databases (rs752529540, gnomAD 0.06%). This variant has not been reported in the literature in individuals affected with VPS13D-related conditions. ClinVar contains an entry for this variant (Variation ID: 1308273). Advanced modeling of protein sequence and biophysical properties (such as structural, functional, and spatial information, amino acid conservation, physicochemical variation, residue mobility, and thermodynamic stability) performed at Invitae indicates that this missense variant is not expected to disrupt VPS13D protein function. In summary, the available evidence is currently insufficient to determine the role of this variant in disease. Therefore, it has been classified as a Variant of Uncertain Significance.

GeneDx
Classification: Uncertain significance. Last evaluated: 2019-03-27. Review status: criteria provided, single submitter. Criteria: GeneDx Variant Classification Process June 2021. Collection method: clinical testing. Allele origin: germline. Affected: yes.
Comment: In silico analysis, which includes protein predictors and evolutionary conservation, supports that this variant does not alter protein structure/function; Has not been previously published as pathogenic or benign to our knowledge

Breakthrough Genomics
Classification: Uncertain significance. Review status: criteria provided, single submitter. Criteria: ACMG Guidelines, 2015. Collection method: not provided. Allele origin: germline. Inheritance: Autosomal recessive inheritance. Affected: yes.

NM_015378.4(VPS13D):c.8822G>A (p.Arg2941Gln)

Gene: VPS13D (vacuolar protein sorting 13 homolog D; plus strand). Cytogenetic location: 1p36.22.
Variant type: single nucleotide variant.
Coding change: c.8822G>A on transcript NM_015378.4 (MANE Select); coding-DNA position 8822, G replaced by A.
Protein change: p.Arg2941Gln; replaces arginine 2941 with glutamine.
Molecular consequence: missense variant.
Genome position (GRCh38, 1-based): chr1:12,342,988, G>A. VCF-style: chr1-12342988-G-A. GRCh37 (hg19) VCF-style: chr1-12403045-G-A.
Other names: c.8747G>A, p.Arg2916Gln (NM_018156.4); c.8822G>A (NM_015378.2); short protein forms R2916Q, R2941Q.
Identifiers: ClinVar variation 1308273 (VCV001308273.6), dbSNP rs752529540, ClinGen allele CA603259.